The following is an entry in ClinVar:

ClinVar aggregate classification (germline): Conflicting classifications of pathogenicity. Review status: criteria provided, conflicting classifications (1 of 4 stars). 2 submissions from 2 submitters: Uncertain significance (1); Likely benign (1). Last evaluated 2024-05-14.

Conditions:
Inborn genetic diseases. Identifiers: MedGen C0950123, MeSH D030342.
Mosaic variegated aneuploidy syndrome 1 (MVA1). Also called: Warburton-Anyane-Yeboa syndrome. Identifiers: Orphanet 1052, MedGen C1850343, MONDO:0009759, OMIM 257300.

Allele frequency attached by ClinVar (database versions not stated): TOPMed 0.00002; 1000 Genomes Project 30x 0.00016.
gnomAD v4.1: 3 of 1,614,106 alleles (0.00019%); highest among the groups gnomAD compares: East Asian, 0.0022%; no homozygotes.

Submissions (2):

Ambry Genetics
Classification: Likely benign for Inborn genetic diseases. Last evaluated: 2024-05-14. Review status: criteria provided, single submitter. Criteria: Ambry Variant Classification Scheme 2023. Collection method: clinical testing. Allele origin: germline.

Labcorp Genetics (formerly Invitae), Labcorp
Classification: Uncertain significance for Mosaic variegated aneuploidy syndrome 1. Last evaluated: 2023-03-27. Review status: criteria provided, single submitter. Criteria: Invitae Variant Classification Sherloc (09022015). Collection method: clinical testing. Allele origin: germline.
Comment: ClinVar contains an entry for this variant (Variation ID: 938610). This sequence change replaces alanine, which is neutral and non-polar, with threonine, which is neutral and polar, at codon 335 of the BUB1B protein (p.Ala335Thr). This variant is present in population databases (rs145184714, gnomAD 0.006%). This variant has not been reported in the literature in individuals affected with BUB1B-related conditions. Algorithms developed to predict the effect of missense changes on protein structure and function output the following: SIFT: "Not Available"; PolyPhen-2: "Benign"; Align-GVGD: "Not Available". The threonine amino acid residue is found in multiple mammalian species, which suggests that this missense change does not adversely affect protein function. In summary, the available evidence is currently insufficient to determine the role of this variant in disease. Therefore, it has been classified as a Variant of Uncertain Significance.

NM_001211.6(BUB1B):c.1003G>A (p.Ala335Thr)

Gene: BUB1B (BUB1 mitotic checkpoint serine/threonine kinase B; plus strand). Cytogenetic location: 15q15.1.
Variant type: single nucleotide variant.
Coding change: c.1003G>A on transcript NM_001211.6 (MANE Select); coding-DNA position 1003, G replaced by A.
Protein change: p.Ala335Thr; replaces alanine 335 with threonine.
Molecular consequence: missense variant.
Genome position (GRCh38, 1-based): chr15:40,185,587, G>A. VCF-style: chr15-40185587-G-A. GRCh37 (hg19) VCF-style: chr15-40477788-G-A.
Other names: short protein forms A335T.
Identifiers: ClinVar variation 938610 (VCV000938610.13), dbSNP rs145184714, ClinGen allele CA7475627.